The following is an entry in ClinVar:

NM_006904.7(PRKDC):c.10511C>T (p.Ala3504Val)

Gene: PRKDC (protein kinase, DNA-activated, catalytic subunit; minus strand). Cytogenetic location: 8q11.21.
Variant type: single nucleotide variant.
Coding change: c.10511C>T on transcript NM_006904.7 (MANE Select); coding-DNA position 10511, C replaced by T.
Protein change: p.Ala3504Val; replaces alanine 3504 with valine.
Molecular consequence: missense variant.
Genome position (GRCh38, 1-based): chr8:47,794,449, G>A on the plus strand (C>T on the coding strand, the complement: PRKDC is on the minus strand). VCF-style: chr8-47794449-G-A. GRCh37 (hg19) VCF-style: chr8-48707010-G-A.
Other names: c.10511C>T, p.Ala3504Val (NM_001081640.2); short protein forms A3504V.
Identifiers: ClinVar variation 1777155 (VCV001777155.2), dbSNP rs2551862031, ClinGen allele CA371134194.

ClinVar aggregate classification (germline): Uncertain significance (1 of 4 stars; one submission).

gnomAD v4.1: 1 of 1,613,742 alleles (0.000062%); highest among the groups gnomAD compares: South Asian, 0.0011%; no homozygotes.

Submission:

Ambry Genetics
Classification: Uncertain significance. Last evaluated: 2022-07-27. Review status: criteria provided, single submitter. Criteria: Ambry Variant Classification Scheme 2023. Collection method: clinical testing. Allele origin: germline.
Comment: The p.A3504V variant (also known as c.10511C>T), located in coding exon 74 of the PRKDC gene, results from a C to T substitution at nucleotide position 10511. The alanine at codon 3504 is replaced by valine, an amino acid with similar properties. This amino acid position is conserved. Since supporting evidence is limited at this time, the clinical significance of this alteration remains unclear.